The following is an entry in ClinVar:

NM_199420.4(POLQ):c.5711C>A (p.Ala1904Glu)

Gene: POLQ (DNA polymerase theta; minus strand). Cytogenetic location: 3q13.33.
Variant type: single nucleotide variant.
Coding change: c.5711C>A on transcript NM_199420.4 (MANE Select); coding-DNA position 5711, C replaced by A.
Protein change: p.Ala1904Glu; replaces alanine 1904 with glutamic acid.
Molecular consequence: missense variant.
Genome position (GRCh38, 1-based): chr3:121,485,103, G>T on the plus strand (C>A on the coding strand, the complement: POLQ is on the minus strand). VCF-style: chr3-121485103-G-T. GRCh37 (hg19) VCF-style: chr3-121203950-G-T.
Other names: short protein forms A1904E.
Identifiers: ClinVar variation 1749246 (VCV001749246.2), dbSNP rs2048001199, ClinGen allele CA354089126.

ClinVar aggregate classification (germline): Uncertain significance (1 of 4 stars; one submission).

Allele frequency attached by ClinVar (database versions not stated): gnomAD exomes below 0.00001.
gnomAD v4.1: 2 of 1,612,308 alleles (0.00012%); highest among the groups gnomAD compares: Non-Finnish European, 0.00017%; no homozygotes.

Submission:

Ambry Genetics
Classification: Uncertain significance. Last evaluated: 2022-05-12. Review status: criteria provided, single submitter. Criteria: Ambry Variant Classification Scheme 2023. Collection method: clinical testing. Allele origin: germline.
Comment: The p.A1904E variant (also known as c.5711C>A), located in coding exon 17 of the POLQ gene, results from a C to A substitution at nucleotide position 5711. The alanine at codon 1904 is replaced by glutamic acid, an amino acid with dissimilar properties. This amino acid position is conserved. In addition, this alteration is predicted to be deleterious by in silico analysis. Since supporting evidence is limited at this time, the clinical significance of this alteration remains unclear.